The following is an entry in ClinVar:

NM_001350451.2(RBFOX3):c.222+5G>A

Gene: RBFOX3 (RNA binding fox-1 homolog 3; minus strand). Cytogenetic location: 17q25.3.
Variant type: single nucleotide variant.
Coding change: c.222+5G>A on transcript NM_001350451.2 (MANE Select); 5 bases into the intron after coding-DNA position 222, G replaced by A.
Molecular consequence: intron variant.
Genome position (GRCh38, 1-based): chr17:79,115,489, C>T on the plus strand (G>A on the coding strand, the complement: RBFOX3 is on the minus strand). VCF-style: chr17-79115489-C-T. GRCh37 (hg19) VCF-style: chr17-77111571-C-T.
Other names: c.222+5G>A (NM_001385807.1, NM_001385838.1, NM_001385842.1 and 43 more transcripts).
Identifiers: ClinVar variation 2127065 (VCV002127065.1), dbSNP rs2510553994, ClinGen allele CA2580095255.

ClinVar aggregate classification (germline): Uncertain significance (1 of 4 stars; one submission).

Conditions:
Idiopathic generalized epilepsy. Also called: EIG; Generalised epilepsy. Identifiers: MedGen C0270850, MONDO:0005579, OMIM 600669.

Allele frequency attached by ClinVar (database versions not stated): gnomAD exomes below 0.00001.
gnomAD v4.1: 1 of 1,322,220 alleles (0.000076%); highest among the groups gnomAD compares: South Asian, 0.0023%; no homozygotes.

Submission:

Labcorp Genetics (formerly Invitae), Labcorp
Classification: Uncertain significance for Idiopathic generalized epilepsy. Last evaluated: 2022-04-21. Review status: criteria provided, single submitter. Criteria: Invitae Variant Classification Sherloc (09022015). Collection method: clinical testing. Allele origin: germline.
Comment: This sequence change falls in intron 5 of the RBFOX3 gene. It does not directly change the encoded amino acid sequence of the RBFOX3 protein. It affects a nucleotide within the consensus splice site. This variant is not present in population databases (gnomAD no frequency). This variant has not been reported in the literature in individuals affected with RBFOX3-related conditions. Variants that disrupt the consensus splice site are a relatively common cause of aberrant splicing (PMID: 17576681, 9536098). Algorithms developed to predict the effect of sequence changes on RNA splicing suggest that this variant may disrupt the consensus splice site. In summary, the available evidence is currently insufficient to determine the role of this variant in disease. Therefore, it has been classified as a Variant of Uncertain Significance.

Literature cited by the submitters: PubMed 17576681; PubMed 9536098.